The following is an entry in ClinVar:

ClinVar aggregate classification (germline): Pathogenic (1 of 4 stars; one submission).

Conditions:
Hereditary breast ovarian cancer syndrome. Also called: BRCA1- and BRCA2-Associated Hereditary Breast and Ovarian Cancer; Hereditary breast and ovarian cancer; Hereditary breast and/or ovarian cancer syndrome; Hereditary breast and ovarian cancer syndrome; Hereditary breast and ovarian cancer syndrome (HBOC); Breast and ovarian cancer. Identifiers: Orphanet 145, MedGen C0677776, MeSH D061325, MONDO:0003582. Disease mechanism: loss of function.

Submission:

Labcorp Genetics (formerly Invitae), Labcorp
Classification: Pathogenic for Hereditary breast ovarian cancer syndrome. Last evaluated: 2019-11-11. Review status: criteria provided, single submitter. Criteria: Invitae Variant Classification Sherloc (09022015). Collection method: clinical testing. Allele origin: germline.
Comment: This sequence change creates a premature translational stop signal (p.Ser795*) in the BRCA2 gene. It is expected to result in an absent or disrupted protein product. This variant is not present in population databases (ExAC no frequency). This variant has not been reported in the literature in individuals with BRCA2-related conditions. Loss-of-function variants in BRCA2 are known to be pathogenic (PMID: 20104584). For these reasons, this variant has been classified as Pathogenic.

Literature cited by the submitters: PubMed 20104584.

NM_000059.4(BRCA2):c.2384C>G (p.Ser795Ter)

Gene: BRCA2 (BRCA2 DNA repair associated; plus strand). Cytogenetic location: 13q13.1.
Variant type: single nucleotide variant.
Coding change: c.2384C>G on transcript NM_000059.4 (MANE Select); coding-DNA position 2384, C replaced by G.
Protein change: p.Ser795Ter; replaces serine 795 with a stop codon.
Molecular consequence: nonsense.
Genome position (GRCh38, 1-based): chr13:32,336,739, C>G. VCF-style: chr13-32336739-C-G. GRCh37 (hg19) VCF-style: chr13-32910876-C-G.
Other names: short protein forms S795*.
Identifiers: ClinVar variation 962539 (VCV000962539.8), dbSNP rs2072456490, ClinGen allele CA387771865.